The following is an entry in ClinVar:

NM_001352027.3(PHF21A):c.1513G>A (p.Asp505Asn)

Gene: PHF21A (PHD finger protein 21A; minus strand). Cytogenetic location: 11p11.2.
Variant type: single nucleotide variant.
Coding change: c.1513G>A on transcript NM_001352027.3 (MANE Select); coding-DNA position 1513, G replaced by A.
Protein change: p.Asp505Asn; replaces aspartic acid 505 with asparagine.
Molecular consequence: missense variant. On other transcripts: non-coding transcript variant (2).
Genome position (GRCh38, 1-based): chr11:45,938,252, C>T on the plus strand (G>A on the coding strand, the complement: PHF21A is on the minus strand). VCF-style: chr11-45938252-C-T. GRCh37 (hg19) VCF-style: chr11-45959803-C-T.
Other names: c.1510G>A, p.Asp504Asn (NM_001101802.3); c.1513G>A, p.Asp505Asn (NM_001352025.3, NM_001352026.3); c.1372G>A, p.Asp458Asn (NM_001352028.1, NM_001352029.1, NM_016621.5); c.1369G>A, p.Asp457Asn (NM_001352030.3, NM_001352031.3, NM_001352032.3); short protein forms D457N, D458N, D504N, D505N.
Identifiers: ClinVar variation 1098661 (VCV001098661.3), dbSNP rs1259186557, ClinGen allele CA380257010.
Genomic context (GRCh38, chr11:45,938,252, plus strand): 5'-TGGGAATTGTTTTCAGAGGGGGGTCTAAGCAGTCCAAATGATATACACGGGAACATGTGT[C>T]GCACATCAGTAACTGGCCACTTTTTCTGCAAACGCTGCAAAAATCCTCATGAATATCACC-3'
Protein context (NP_001338956.1, residues 495-515): CRKSGQLLMC[Asp505Asn]TCSRVYHLDC

ClinVar aggregate classification (germline): Uncertain significance. Review status: criteria provided, multiple submitters, no conflicts (2 of 4 stars). 2 submissions from 2 submitters: Uncertain significance (2). Last evaluated 2024-04-17.

Conditions:
Intellectual developmental disorder with behavioral abnormalities and craniofacial dysmorphism with or without seizures. Identifiers: MedGen C5231476, MONDO:0032883, OMIM 618725.

Allele frequency attached by ClinVar (database versions not stated): gnomAD exomes below 0.00001; TOPMed below 0.00001.
gnomAD v4.1: 1 of 1,611,486 alleles (0.000062%); highest among the groups gnomAD compares: Non-Finnish European, 0.000085%; no homozygotes.

Submissions (2):

Labcorp Genetics (formerly Invitae), Labcorp
Classification: Uncertain significance. Last evaluated: 2024-04-17. Review status: criteria provided, single submitter. Criteria: Invitae Variant Classification Sherloc (09022015). Collection method: clinical testing. Allele origin: germline.
Comment: This sequence change replaces aspartic acid, which is acidic and polar, with asparagine, which is neutral and polar, at codon 504 of the PHF21A protein (p.Asp504Asn). This variant is present in population databases (no rsID available, gnomAD 0.03%). This variant has not been reported in the literature in individuals affected with PHF21A-related conditions. ClinVar contains an entry for this variant (Variation ID: 1098661). Advanced modeling of protein sequence and biophysical properties (such as structural, functional, and spatial information, amino acid conservation, physicochemical variation, residue mobility, and thermodynamic stability) has been performed at Invitae for this missense variant, however the output from this modeling did not meet the statistical confidence thresholds required to predict the impact of this variant on PHF21A protein function. In summary, the available evidence is currently insufficient to determine the role of this variant in disease. Therefore, it has been classified as a Variant of Uncertain Significance.

New York Genome Center
Classification: Uncertain significance for Intellectual developmental disorder with behavioral abnormalities and craniofacial dysmorphism with or without seizures. Last evaluated: 2020-06-03. Review status: criteria provided, single submitter. Criteria: NYGC Assertion Criteria 2020. Collection method: clinical testing. Allele origin: inherited. Observed: 1 heterozygote. Study: CSER-NYCKidSeq.